The following is an entry in ClinVar:

NM_001349338.3(FOXP1):c.119A>T (p.Glu40Val)

Gene: FOXP1 (forkhead box P1; minus strand). Cytogenetic location: 3p13.
Variant type: single nucleotide variant.
Coding change: c.119A>T on transcript NM_001349338.3 (MANE Select); coding-DNA position 119, A replaced by T.
Protein change: p.Glu40Val; replaces glutamic acid 40 with valine.
Molecular consequence: missense variant. On other transcripts: non-coding transcript variant (2).
Genome position (GRCh38, 1-based): chr3:71,198,263, T>A on the plus strand (A>T on the coding strand, the complement: FOXP1 is on the minus strand). VCF-style: chr3-71198263-T-A. GRCh37 (hg19) VCF-style: chr3-71247414-T-A.
Other names: c.119A>T, p.Glu40Val (NM_001012505.2, NM_001244808.3, NM_001244810.2 and 6 more transcripts); short protein forms E40V.
Identifiers: ClinVar variation 930431 (VCV000930431.11), dbSNP rs765070623, ClinGen allele CA2491456.
Genomic context (GRCh38, chr3:71,198,263, plus strand): 5'-TGTTGCTGCTGCTGCTGGGCGTGGGCGAGGTCAGCTGCCCCGATGTCCACGGCCGGCGTC[T>A]CTCCGTTGGACCGCCCCTCCCGAAGACCGCCGCACTCTAGTAAGTGGTTGCTGCCGCCCG-3'
Protein context (NP_001336267.1, residues 30-50): GGLREGRSNG[Glu40Val]TPAVDIGAAD

ClinVar aggregate classification (germline): Conflicting classifications of pathogenicity. Review status: criteria provided, conflicting classifications (1 of 4 stars). 4 submissions from 4 submitters: Uncertain significance (2); Likely benign (1). 1 of the submissions does not count toward it. Last evaluated 2025-12-24.

Conditions:
Inborn genetic diseases. Identifiers: MedGen C0950123, MeSH D030342.
Intellectual disability. Also called: Intellectual functioning disability; Intellectual developmental disorder; intellectual disabilities. Identifiers: MedGen C3714756, MeSH D008607, MONDO:0001071, HP:0001249.
Intellectual disability-severe speech delay-mild dysmorphism syndrome (IDDLA). Also called: Mental retardation with language impairment and autistic features; Intellectual developmental disorder with language impairment AND with or without autistic features; FOXP1 Syndrome. Identifiers: Orphanet 391372, MedGen C4013764, MONDO:0013352, OMIM 613670.

Allele frequency attached by ClinVar (database versions not stated): TOPMed 0.00003; gnomAD exomes 0.00002; ExAC 0.00003; gnomAD 0.00004.
gnomAD v4.1: 38 of 1,614,066 alleles (0.0024%); highest among the groups gnomAD compares: Non-Finnish European, 0.0031%; no homozygotes.

Submissions (4):

Labcorp Genetics (formerly Invitae), Labcorp
Classification: Uncertain significance. Last evaluated: 2025-12-24. Review status: criteria provided, single submitter. Criteria: Invitae Variant Classification Sherloc (09022015). Collection method: clinical testing. Allele origin: germline.
Comment: This sequence change replaces glutamic acid, which is acidic and polar, with valine, which is neutral and non-polar, at codon 40 of the FOXP1 protein (p.Glu40Val). This variant is present in population databases (rs765070623, gnomAD 0.006%). This variant has not been reported in the literature in individuals affected with FOXP1-related conditions. ClinVar contains an entry for this variant (Variation ID: 930431). Invitae Evidence Modeling of protein sequence and biophysical properties (such as structural, functional, and spatial information, amino acid conservation, physicochemical variation, residue mobility, and thermodynamic stability) indicates that this missense variant is not expected to disrupt FOXP1 protein function with a negative predictive value of 80%. In summary, the available evidence is currently insufficient to determine the role of this variant in disease. Therefore, it has been classified as a Variant of Uncertain Significance.

Ambry Genetics
Classification: Likely benign for Inborn genetic diseases. Last evaluated: 2024-02-26. Review status: criteria provided, single submitter. Criteria: Ambry Variant Classification Scheme 2023. Collection method: clinical testing. Allele origin: germline.

Centre for Mendelian Genomics, University Medical Centre Ljubljana
Classification: Uncertain significance for Intellectual disability-severe speech delay-mild dysmorphism syndrome. Last evaluated: 2019-05-06. Review status: criteria provided, single submitter. Criteria: ACMG Guidelines, 2015. Collection method: clinical testing. Allele origin: unknown. Affected: yes.
Comment: This variant was classified as: Uncertain significance. The available evidence on this variant's pathogenicity is insufficient or conflicting. The following ACMG criteria were applied in classifying this variant: PP3.

Centre de Biologie Pathologie Génétique, Centre Hospitalier Universitaire de Lille
Classification: Likely benign for Intellectual disability. Last evaluated: 2019-01-01. Review status: no assertion criteria provided. Collection method: clinical testing. Allele origin: inherited. Affected: yes. Not counted in ClinVar's aggregate classification.